The following is an entry in ClinVar:

NM_001130144.3(LTBP3):c.3103G>C (p.Val1035Leu)

Genes: LTBP3 (latent transforming growth factor beta binding protein 3; minus strand), LOC121832793 (Sharpr-MPRA regulatory region 4001; plus strand). Cytogenetic location: 11q13.1.
Variant type: single nucleotide variant.
Coding change: c.3103G>C on transcript NM_001130144.3 (MANE Select); coding-DNA position 3103, G replaced by C.
Protein change: p.Val1035Leu; replaces valine 1035 with leucine.
Molecular consequence: missense variant.
Genome position (GRCh38, 1-based): chr11:65,540,489, C>G on the plus strand (G>C on the coding strand, the complement: LTBP3 is on the minus strand). VCF-style: chr11-65540489-C-G. GRCh37 (hg19) VCF-style: chr11-65307960-C-G.
Other names: c.3103G>C (NM_001130144.2); c.2752G>C, p.Val918Leu (NM_001164266.1); c.3103G>C, p.Val1035Leu (NM_021070.4); short protein forms V1035L, V918L.
Identifiers: ClinVar variation 2202322 (VCV002202322.7), dbSNP rs200797100, ClinGen allele CA224009710.

ClinVar aggregate classification (germline): Uncertain significance. Review status: criteria provided, multiple submitters, no conflicts (2 of 4 stars). 2 submissions from 2 submitters: Uncertain significance (2). Last evaluated 2025-10-26.

Conditions:
Inborn genetic diseases. Identifiers: MedGen C0950123, MeSH D030342.
Brachyolmia-amelogenesis imperfecta syndrome. Also called: PLATYSPONDYLY WITH AMELOGENESIS IMPERFECTA; Tooth agenesis, selective, 6; Dental anomalies and short stature. Identifiers: Orphanet 2899, MedGen C1832594, MONDO:0011018, OMIM 601216. Disease mechanism: loss of function.

gnomAD v4.1: 21 of 1,613,388 alleles (0.0013%); highest among the groups gnomAD compares: Non-Finnish European, 0.0015%; no homozygotes.

Submissions (2):

Labcorp Genetics (formerly Invitae), Labcorp
Classification: Uncertain significance for Brachyolmia-amelogenesis imperfecta syndrome. Last evaluated: 2025-10-26. Review status: criteria provided, single submitter. Criteria: Invitae Variant Classification Sherloc (09022015). Collection method: clinical testing. Allele origin: germline.
Comment: This sequence change replaces valine, which is neutral and non-polar, with leucine, which is neutral and non-polar, at codon 1035 of the LTBP3 protein (p.Val1035Leu). This variant is not present in population databases (gnomAD no frequency). This variant has not been reported in the literature in individuals affected with LTBP3-related conditions. ClinVar contains an entry for this variant (Variation ID: 2202322). An algorithm developed to predict the effect of missense changes on protein structure and function (PolyPhen-2) suggests that this variant is likely to be tolerated. In summary, the available evidence is currently insufficient to determine the role of this variant in disease. Therefore, it has been classified as a Variant of Uncertain Significance.

Ambry Genetics
Classification: Uncertain significance for Inborn genetic diseases. Last evaluated: 2024-12-03. Review status: criteria provided, single submitter. Criteria: Ambry Variant Classification Scheme 2023. Collection method: clinical testing. Allele origin: germline.